The following is an entry in ClinVar:

ClinVar aggregate classification (germline): Likely benign. Review status: criteria provided, multiple submitters, no conflicts (2 of 4 stars). 3 submissions from 3 submitters: Likely benign (3). Last evaluated 2025-11-01.

Conditions:
Episodic ataxia type 1 (EA1). Also called: Episodic ataxia/myokymia syndrome; ATAXIA, EPISODIC, WITH MYOKYMIA; MYOKYMIA WITH PERIODIC ATAXIA; PAROXYSMAL ATAXIA WITH NEUROMYOTONIA, HEREDITARY. Identifiers: Orphanet 37612, Orphanet 972, MedGen C1719788, MONDO:0008047, OMIM 160120.

Allele frequency attached by ClinVar (database versions not stated): TOPMed 0.00005.
gnomAD v4.1: 14 of 1,614,050 alleles (0.00087%); highest among the groups gnomAD compares: Admixed American, 0.012%; no homozygotes.

Submissions (3):

CeGaT Center for Human Genetics Tuebingen
Classification: Likely benign. Last evaluated: 2025-11-01. Review status: criteria provided, single submitter. Criteria: CeGaT Center For Human Genetics Tuebingen Variant Classification Criteria Version 2. Collection method: clinical testing. Allele origin: germline. Affected: yes. Observed: 1 variant allele.
Comment: KCNA1: BP4, BP7

Labcorp Genetics (formerly Invitae), Labcorp
Classification: Likely benign for Episodic ataxia type 1. Last evaluated: 2025-09-15. Review status: criteria provided, single submitter. Criteria: Invitae Variant Classification Sherloc (09022015). Collection method: clinical testing. Allele origin: germline.

Fulgent Genetics
Classification: Likely benign for Episodic ataxia type 1. Last evaluated: 2022-03-31. Review status: criteria provided, single submitter. Criteria: ACMG Guidelines, 2015. Collection method: clinical testing. Allele origin: unknown.

NM_000217.3(KCNA1):c.297C>T (p.Gly99=)

Gene: KCNA1 (potassium voltage-gated channel subfamily A member 1; plus strand). Cytogenetic location: 12p13.32.
Variant type: single nucleotide variant.
Coding change: c.297C>T on transcript NM_000217.3 (MANE Select); coding-DNA position 297, C replaced by T.
Protein change: p.Gly99=; no amino-acid change (glycine 99 retained).
Molecular consequence: synonymous variant.
Genome position (GRCh38, 1-based): chr12:4,911,675, C>T. VCF-style: chr12-4911675-C-T. GRCh37 (hg19) VCF-style: chr12-5020841-C-T.
Identifiers: ClinVar variation 1595211 (VCV001595211.15), dbSNP rs772182513, ClinGen allele CA231855484.